The following is an entry in ClinVar:

NM_001042492.3(NF1):c.8452G>T (p.Ala2818Ser)

Gene: NF1 (neurofibromin 1; plus strand). Cytogenetic location: 17q11.2.
Variant type: single nucleotide variant.
Coding change: c.8452G>T on transcript NM_001042492.3 (MANE Select); coding-DNA position 8452, G replaced by T.
Protein change: p.Ala2818Ser; replaces alanine 2818 with serine.
Molecular consequence: missense variant.
Genome position (GRCh38, 1-based): chr17:31,374,087, G>T. VCF-style: chr17-31374087-G-T. GRCh37 (hg19) VCF-style: chr17-29701105-G-T.
Other names: c.8389G>T, p.Ala2797Ser (NM_000267.4); short protein forms A2818S, A2797S.
Identifiers: ClinVar variation 484078 (VCV000484078.6), dbSNP rs771006452, ClinGen allele CA399206003.
Genomic context (GRCh38, chr17:31,374,087, plus strand): 5'-AACGTTGAACTCTCCCCTACCACTGGCCACTGTAACAGTGGACGAACTCGCCACGGATCC[G>T]CAAGCCAAGTGCAGAAGCAAAGAAGCGCTGGCAGTTTCAAACGTAATAGCATTAAGAAGA-3'
Protein context (NP_001035957.1, residues 2808-2828): CNSGRTRHGS[Ala2818Ser]SQVQKQRSAG

ClinVar aggregate classification (germline): Uncertain significance. Review status: criteria provided, multiple submitters, no conflicts (2 of 4 stars). 2 submissions from 2 submitters: Uncertain significance (2). Last evaluated 2023-12-20.

Conditions:
Cardiovascular phenotype. Identifiers: MedGen CN230736.
Hereditary cancer-predisposing syndrome. Also called: Neoplastic Syndromes, Hereditary; Tumor predisposition; Hereditary Cancer Syndrome; Hereditary neoplastic syndrome. Identifiers: Orphanet 140162, MedGen C0027672, MeSH D009386, MONDO:0015356.
Juvenile myelomonocytic leukemia (JMML). Also called: LEUKEMIA, JUVENILE MYELOMONOCYTIC, SOMATIC. Identifiers: Orphanet 86834, MedGen C0349639, MONDO:0011908, OMIM 607785, HP:0012209.

Submissions (2):

Baylor Genetics
Classification: Uncertain significance for Juvenile myelomonocytic leukemia. Last evaluated: 2023-12-20. Review status: criteria provided, single submitter. Criteria: ACMG Guidelines, 2015. Collection method: clinical testing. Allele origin: unknown.

Ambry Genetics
Classification: Uncertain significance for Cardiovascular phenotype; Hereditary cancer-predisposing syndrome. Last evaluated: 2016-11-28. Review status: criteria provided, single submitter. Criteria: Ambry Variant Classification Scheme 2023. Collection method: clinical testing. Allele origin: germline.
Comment: The p.A2797S variant (also known as c.8389G>T), located in coding exon 57 of the NF1 gene, results from a G to T substitution at nucleotide position 8389. The alanine at codon 2797 is replaced by serine, an amino acid with similar properties. This amino acid position is highly conserved in available vertebrate species. In addition, this alteration is predicted to be tolerated by in silico analysis. Since supporting evidence is limited at this time, the clinical significance of this alteration remains unclear.